The following is an entry in ClinVar:

ClinVar aggregate classification (germline): Uncertain significance (1 of 4 stars; one submission).

Conditions:
Hereditary cancer-predisposing syndrome. Also called: Neoplastic Syndromes, Hereditary; Tumor predisposition; Hereditary Cancer Syndrome; Hereditary neoplastic syndrome. Identifiers: Orphanet 140162, MedGen C0027672, MeSH D009386, MONDO:0015356.

Submission:

Ambry Genetics
Classification: Uncertain significance for Hereditary cancer-predisposing syndrome. Last evaluated: 2022-01-03. Review status: criteria provided, single submitter. Criteria: Ambry Variant Classification Scheme 2023. Collection method: clinical testing. Allele origin: germline.
Comment: The c.859-5delT intronic variant, located in intron 5 of the CTNNA1 gene, results from a deletion of one nucleotide within intron 5 of the CTNNA1 gene. This nucleotide position is not well conserved in available vertebrate species. In silico splice site analysis predicts that this alteration will not have any significant effect on splicing. The evidence for this gene-disease relationship is limited; therefore, the clinical significance of this alteration is unclear.

NM_001903.5(CTNNA1):c.859-5del

Gene: CTNNA1 (catenin alpha 1; plus strand). Cytogenetic location: 5q31.2.
Variant type: Deletion.
Coding change: c.859-5del on transcript NM_001903.5 (MANE Select); 5 bases into the intron before coding-DNA position 859, one base deleted (T; older notation c.859-5delT).
Molecular consequence: intron variant.
Genome position (GRCh38, 1-based): chr5:138,827,510, T deleted. VCF-style (leftmost placement, unchanged base first): chr5-138827509-CT-C. GRCh37 (hg19) VCF-style: chr5-138163198-CT-C.
Other names: c.859-5del (NM_001323982.2, NM_001323984.2, NM_001290307.3 and 3 more transcripts); c.490-5del (NM_001290310.3); c.550-5del (NM_001290309.3).
Identifiers: ClinVar variation 1763961 (VCV001763961.2), dbSNP rs2532445714, ClinGen allele CA2580072922.
Genomic context (GRCh38, chr5:138,827,509, plus strand): 5'-TTTCTCACCTTGAATAAAGAAGGGAACAGAGATGAGTACTAACATTCGGTAATACTTTCT[CT>C]GCAGAAACAAATCATTGTGGACCCCTTGAGCTTCAGCGAGGAGCGCTTTAGGCCTTCCCT-3'